The following is an entry in ClinVar:

ClinVar aggregate classification (germline): Likely benign (1 of 4 stars; one submission).

Submission:

CeGaT Center for Human Genetics Tuebingen
Classification: Likely benign. Last evaluated: 2025-08-01. Review status: criteria provided, single submitter. Criteria: CeGaT Center For Human Genetics Tuebingen Variant Classification Criteria Version 2. Collection method: clinical testing. Allele origin: germline. Affected: yes. Observed: 1 variant allele.
Comment: SPTBN2: PM2:Supporting, BP4, BP7

NM_006946.4(SPTBN2):c.1836G>T (p.Val612=)

Gene: SPTBN2 (spectrin beta, non-erythrocytic 2; minus strand). Cytogenetic location: 11q13.2.
Variant type: single nucleotide variant.
Coding change: c.1836G>T on transcript NM_006946.4 (MANE Select); coding-DNA position 1836, G replaced by T.
Protein change: p.Val612=; no amino-acid change (valine 612 retained).
Molecular consequence: synonymous variant.
Genome position (GRCh38, 1-based): chr11:66,705,440, C>A on the plus strand (G>T on the coding strand, the complement: SPTBN2 is on the minus strand). VCF-style: chr11-66705440-C-A. GRCh37 (hg19) VCF-style: chr11-66472911-C-A.
Other names: c.1857G>T, p.Val619= (NM_001411025.1); c.1836G>T, p.Val612= (NM_001437541.1).
Identifiers: ClinVar variation 4084487 (VCV004084487.8).